The following is an entry in ClinVar:

NM_006466.4(POLR3F):c.227T>A (p.Ile76Lys)

Gene: POLR3F (RNA polymerase III subunit F; plus strand). Cytogenetic location: 20p11.23.
Variant type: single nucleotide variant.
Coding change: c.227T>A on transcript NM_006466.4 (MANE Select); coding-DNA position 227, T replaced by A.
Protein change: p.Ile76Lys; replaces isoleucine 76 with lysine.
Molecular consequence: missense variant. On other transcripts: non-coding transcript variant (1).
Genome position (GRCh38, 1-based): chr20:18,472,888, T>A. VCF-style: chr20-18472888-T-A. GRCh37 (hg19) VCF-style: chr20-18453532-T-A.
Other names: c.104T>A, p.Ile35Lys (NM_001282526.2); c.227T>A, p.Ile76Lys (NM_001410821.1); short protein forms I76K, I35K.
Identifiers: ClinVar variation 2745513 (VCV002745513.3), dbSNP rs2517418226, ClinGen allele CA408351455.
Genomic context (GRCh38, chr20:18,472,888, plus strand): 5'-GTCTTAAAAACTAGGGTCAGTTGGATCTCTTAAGGAGCAATACGGGCCTTTTATATAGAA[T>A]AAAGGACTCTCAGAATGCTGGGTAAGTACTTGTTTTTTTAATTTTAAGAAAATGTTTATT-3'
Protein context (NP_006457.2, residues 66-86): LRSNTGLLYR[Ile76Lys]KDSQNAGKMK

ClinVar aggregate classification (germline): Uncertain significance (1 of 4 stars; one submission).

Submission:

Labcorp Genetics (formerly Invitae), Labcorp
Classification: Uncertain significance. Last evaluated: 2023-07-20. Review status: criteria provided, single submitter. Criteria: Invitae Variant Classification Sherloc (09022015). Collection method: clinical testing. Allele origin: germline.
Comment: This sequence change replaces isoleucine, which is neutral and non-polar, with lysine, which is basic and polar, at codon 35 of the POLR3F protein (p.Ile35Lys). In summary, the available evidence is currently insufficient to determine the role of this variant in disease. Therefore, it has been classified as a Variant of Uncertain Significance. Experimental studies and prediction algorithms are not available or were not evaluated, and the functional significance of this variant is currently unknown. This variant has not been reported in the literature in individuals affected with POLR3F-related conditions. This variant is not present in population databases (gnomAD no frequency).